The following is an entry in ClinVar:

NM_001367624.2(ZNF469):c.373G>A (p.Ala125Thr)

Gene: ZNF469 (zinc finger protein 469; plus strand). Cytogenetic location: 16q24.2.
Variant type: single nucleotide variant.
Coding change: c.373G>A on transcript NM_001367624.2 (MANE Select); coding-DNA position 373, G replaced by A.
Protein change: p.Ala125Thr; replaces alanine 125 with threonine.
Molecular consequence: missense variant.
Genome position (GRCh38, 1-based): chr16:88,427,843, G>A. VCF-style: chr16-88427843-G-A. GRCh37 (hg19) VCF-style: chr16-88494251-G-A.
Other names: NM_001127464.1:c.373G>A; short protein forms A125T.
Identifiers: ClinVar variation 3987369 (VCV003987369.1).

ClinVar aggregate classification (germline): Uncertain significance (1 of 4 stars; one submission).

Conditions:
Cardiovascular phenotype. Identifiers: MedGen CN230736.

gnomAD v4.1: 15 of 1,548,850 alleles (0.00097%); highest among the groups gnomAD compares: Non-Finnish European, 0.0012%; no homozygotes.

Submission:

Ambry Genetics
Classification: Uncertain significance for Cardiovascular phenotype. Last evaluated: 2025-05-30. Review status: criteria provided, single submitter. Criteria: Ambry Variant Classification Scheme 2023. Collection method: clinical testing. Allele origin: germline.
Comment: The p.A125T variant (also known as c.373G>A), located in coding exon 1 of the ZNF469 gene, results from a G to A substitution at nucleotide position 373. The alanine at codon 125 is replaced by threonine, an amino acid with similar properties. This amino acid position is conserved. In addition, this alteration is predicted to be tolerated by in silico analysis. Based on the available evidence, the clinical significance of this variant remains unclear.